The following is an entry in ClinVar:

ClinVar aggregate classification (germline): Likely benign (1 of 4 stars; one submission).

gnomAD v4.1: 129 of 1,604,594 alleles (0.008%); highest among the groups gnomAD compares: Admixed American, 0.19%; 3 homozygotes.

Submission:

CeGaT Center for Human Genetics Tuebingen
Classification: Likely benign. Last evaluated: 2026-08-01. Review status: criteria provided, single submitter. Criteria: CeGaT Center For Human Genetics Tuebingen Variant Classification Criteria Version 2. Collection method: clinical testing. Allele origin: germline. Affected: yes. Observed: 1 variant allele.
Comment: DSCAM: BP4, BP7

NM_001389.5(DSCAM):c.246A>G (p.Gln82=)

Gene: DSCAM (DS cell adhesion molecule; minus strand). Cytogenetic location: 21q22.2.
Variant type: single nucleotide variant.
Coding change: c.246A>G on transcript NM_001389.5 (MANE Select); coding-DNA position 246, A replaced by G.
Protein change: p.Gln82=; no amino-acid change (glutamine 82 retained).
Molecular consequence: synonymous variant. On other transcripts: non-coding transcript variant (1).
Genome position (GRCh38, 1-based): chr21:40,708,569, T>C on the plus strand (A>G on the coding strand, the complement: DSCAM is on the minus strand). VCF-style: chr21-40708569-T-C. GRCh37 (hg19) VCF-style: chr21-42080495-T-C.
Other names: c.246A>G, p.Gln82= (NM_001271534.3).
Identifiers: ClinVar variation 5039093 (VCV005039093.1).